The following is an entry in ClinVar:

NM_020533.3(MCOLN1):c.38_41dup (p.Leu15fs)

Gene: MCOLN1 (mucolipin TRP cation channel 1; plus strand). Cytogenetic location: 19p13.2.
Variant type: Duplication.
Coding change: c.38_41dup on transcript NM_020533.3 (MANE Select); coding-DNA positions 38 to 41, 4 bases duplicated (AGCG; older notation c.38_41dupAGCG).
Protein change: p.Leu15fs; shifts the reading frame from leucine 15.
Molecular consequence: frameshift variant.
Genome position (GRCh38, 1-based): chr19:7,524,967-7,524,970, AGCG duplicated; duplicating any 4 consecutive bases within chr19:7,524,965-7,524,970 gives the same sequence; the c. name uses the placement nearest the transcript's 3' end. VCF-style (leftmost placement, unchanged base first): chr19-7524964-C-CCGAG. GRCh37 (hg19) VCF-style: chr19-7589850-C-CCGAG.
Other names: c.38_41dupAGCG (NM_020533.2); short protein forms L15fs.
Identifiers: ClinVar variation 550237 (VCV000550237.5), dbSNP rs1555741548, ClinGen allele CA658824390.
Genomic context (GRCh38, chr19:7,524,964, plus strand): 5'-AAGGGGAAAAGGGGAGTTGCCCAGGCCTCACCCCAGTGCCCTCTCCTATTCCCACAGAGA[C>CCGAG]CGAGCGGCTTCTGACCCCCAACCCCGGGTATGGGACCCAGGCGGGGCCTTCACCGGCCCC-3'

ClinVar aggregate classification (germline): Pathogenic. Review status: criteria provided, single submitter (1 of 4 stars). 2 submissions from 2 submitters: Pathogenic (1). 1 of the submissions does not count toward it. Last evaluated 2023-02-03.

Conditions:
Mucolipidosis type IV (ML4). Also called: ML IV. Identifiers: Orphanet 578, MedGen C0238286, MONDO:0009653, OMIM 252650.

Submissions (2):

Labcorp Genetics (formerly Invitae), Labcorp
Classification: Pathogenic for Mucolipidosis type IV. Last evaluated: 2023-02-03. Review status: criteria provided, single submitter. Criteria: Invitae Variant Classification Sherloc (09022015). Collection method: clinical testing. Allele origin: germline.
Comment: For these reasons, this variant has been classified as Pathogenic. ClinVar contains an entry for this variant (Variation ID: 550237). This variant has not been reported in the literature in individuals affected with MCOLN1-related conditions. This variant is not present in population databases (gnomAD no frequency). This sequence change creates a premature translational stop signal (p.Leu15Alafs*74) in the MCOLN1 gene. It is expected to result in an absent or disrupted protein product. Loss-of-function variants in MCOLN1 are known to be pathogenic (PMID: 11030752, 11317355).

Counsyl
Classification: Likely pathogenic for Mucolipidosis type IV. Last evaluated: 2016-12-23. Review status: no assertion criteria provided. Collection method: clinical testing. Allele origin: unknown. Not counted in ClinVar's aggregate classification.

Literature cited by the submitters: PubMed 11030752 (cited by Labcorp Genetics (formerly Invitae), Labcorp); PubMed 11317355 (cited by Labcorp Genetics (formerly Invitae), Labcorp).